The following is an entry in ClinVar:

ClinVar aggregate classification (germline): Pathogenic (1 of 4 stars; one submission).

Conditions:
Multiple sulfatase deficiency (MSD). Also called: Mucosulfatidosis; Multiple Sulfatase Deficiency Disease; Sulfatidosis, Juvenile, Austin Type. Identifiers: Orphanet 585, MedGen C0268263, MONDO:0010088, OMIM 272200.

Submission:

Labcorp Genetics (formerly Invitae), Labcorp
Classification: Pathogenic for Multiple sulfatase deficiency. Last evaluated: 2023-10-12. Review status: criteria provided, single submitter. Criteria: Invitae Variant Classification Sherloc (09022015). Collection method: clinical testing. Allele origin: germline.
Comment: This sequence change creates a premature translational stop signal (p.Asn212Lysfs*2) in the SUMF1 gene. It is expected to result in an absent or disrupted protein product. Loss-of-function variants in SUMF1 are known to be pathogenic (PMID: 12757705, 12757706, 25885655). This variant is not present in population databases (gnomAD no frequency). This variant has not been reported in the literature in individuals affected with SUMF1-related conditions. For these reasons, this variant has been classified as Pathogenic.

Literature cited by the submitters: PubMed 12757705; PubMed 12757706; PubMed 25885655.

NM_182760.4(SUMF1):c.635dup (p.Asn212fs)

Gene: SUMF1 (sulfatase modifying factor 1; minus strand). Cytogenetic location: 3p26.1.
Variant type: Duplication.
Coding change: c.635dup on transcript NM_182760.4 (MANE Select); coding-DNA position 635, one base duplicated (A; older notation c.635dupA).
Protein change: p.Asn212fs; shifts the reading frame from asparagine 212.
Molecular consequence: frameshift variant.
Genome position (GRCh38, 1-based): chr3:4,418,100, T duplicated on the plus strand (A on the coding strand, the reverse complement: SUMF1 is on the minus strand); the first of 2 consecutive T bases (chr3:4,418,100-4,418,101); duplicating either gives the same sequence. VCF-style (leftmost placement, unchanged base first): chr3-4418099-A-AT. GRCh37 (hg19) VCF-style: chr3-4459783-A-AT.
Other names: c.560dup, p.Asn187fs (NM_001164674.2); c.635dup, p.Asn212fs (NM_001164675.2); short protein forms N212fs, N187fs.
Identifiers: ClinVar variation 2767778 (VCV002767778.3), dbSNP rs2469858844, ClinGen allele CA2697550632.